The following is an entry in ClinVar:

NM_005993.5(TBCD):c.1244C>T (p.Ala415Val)

Gene: TBCD (tubulin folding cofactor D). Cytogenetic location: 17q25.3.
Variant type: single nucleotide variant.
Coding change: c.1244C>T on transcript NM_005993.5 (MANE Select); coding-DNA position 1244, C replaced by T.
Protein change: p.Ala415Val; replaces alanine 415 with valine.
Molecular consequence: missense variant.
Genome position (GRCh38, 1-based): chr17:82,814,860, C>T. VCF-style: chr17-82814860-C-T. GRCh37 (hg19) VCF-style: chr17-80772736-C-T.
Other names: short protein forms A415V.
Identifiers: ClinVar variation 429334 (VCV000429334.8), dbSNP rs763143236, ClinGen allele CA8861967.

ClinVar aggregate classification (germline): Uncertain significance. Review status: criteria provided, multiple submitters, no conflicts (2 of 4 stars). 3 submissions from 3 submitters: Uncertain significance (3). Last evaluated 2023-12-18.

Conditions:
Inborn genetic diseases. Identifiers: MedGen C0950123, MeSH D030342.

Allele frequency attached by ClinVar (database versions not stated): gnomAD 0.00001; gnomAD exomes 0.00003; ExAC 0.00005.
gnomAD v4.1: 34 of 1,613,662 alleles (0.0021%); highest among the groups gnomAD compares: South Asian, 0.0066%; no homozygotes.

Submissions (3):

Labcorp Genetics (formerly Invitae), Labcorp
Classification: Uncertain significance. Last evaluated: 2023-12-18. Review status: criteria provided, single submitter. Criteria: Invitae Variant Classification Sherloc (09022015). Collection method: clinical testing. Allele origin: germline.
Comment: This sequence change replaces alanine, which is neutral and non-polar, with valine, which is neutral and non-polar, at codon 415 of the TBCD protein (p.Ala415Val). This variant is present in population databases (rs763143236, gnomAD 0.01%). This variant has not been reported in the literature in individuals affected with TBCD-related conditions. ClinVar contains an entry for this variant (Variation ID: 429334). Advanced modeling of protein sequence and biophysical properties (such as structural, functional, and spatial information, amino acid conservation, physicochemical variation, residue mobility, and thermodynamic stability) has been performed at Invitae for this missense variant, however the output from this modeling did not meet the statistical confidence thresholds required to predict the impact of this variant on TBCD protein function. In summary, the available evidence is currently insufficient to determine the role of this variant in disease. Therefore, it has been classified as a Variant of Uncertain Significance.

Ambry Genetics
Classification: Uncertain significance for Inborn genetic diseases. Last evaluated: 2022-12-27. Review status: criteria provided, single submitter. Criteria: Ambry Variant Classification Scheme 2023. Collection method: clinical testing. Allele origin: germline.

GeneDx
Classification: Uncertain significance. Last evaluated: 2020-08-11. Review status: criteria provided, single submitter. Criteria: GeneDx Variant Classification Process June 2021. Collection method: clinical testing. Allele origin: germline. Affected: yes.
Comment: In silico analysis supports that this missense variant has a deleterious effect on protein structure/function; Has not been previously published as pathogenic or benign to our knowledge